The following is an entry in ClinVar:

NM_000552.5(VWF):c.4571T>G (p.Val1524Gly)

Gene: VWF (von Willebrand factor; minus strand). Cytogenetic location: 12p13.31.
Variant type: single nucleotide variant.
Coding change: c.4571T>G on transcript NM_000552.5 (MANE Select); coding-DNA position 4571, T replaced by G.
Protein change: p.Val1524Gly; replaces valine 1524 with glycine.
Molecular consequence: missense variant.
Genome position (GRCh38, 1-based): chr12:6,018,847, A>C on the plus strand (T>G on the coding strand, the complement: VWF is on the minus strand). VCF-style: chr12-6018847-A-C. GRCh37 (hg19) VCF-style: chr12-6128013-A-C.
Other names: c.4571T>G (NM_000552.4); short protein forms V1524G.
Identifiers: ClinVar variation 1163930 (VCV001163930.8), dbSNP rs2136412301, ClinGen allele CA383501136.

ClinVar aggregate classification (germline): Conflicting classifications of pathogenicity. Review status: criteria provided, conflicting classifications (1 of 4 stars). 2 submissions from 2 submitters: Likely pathogenic (1); Uncertain significance (1). Last evaluated 2025-10-10.

Submissions (2):

Mayo Clinic Laboratories, Mayo Clinic
Classification: Likely pathogenic. Last evaluated: 2025-10-10. Review status: criteria provided, single submitter. Criteria: ACMG Guidelines, 2015. Collection method: clinical testing. Allele origin: germline. Observed: 2 variant alleles.
Comment: PP3_moderate, PM2_supporting, PS4

Women's Health and Genetics/Laboratory Corporation of America, LabCorp
Classification: Uncertain significance. Last evaluated: 2024-02-19. Review status: criteria provided, single submitter. Criteria: LabCorp Variant Classification Summary - May 2015. Collection method: clinical testing. Allele origin: germline.
Comment: Variant summary: VWF c.4571T>G (p.Val1524Gly) results in a non-conservative amino acid change located in the von Willebrand factor, type A domain (IPR002035) of the encoded protein sequence. Five of five in-silico tools predict a damaging effect of the variant on protein function. The variant was absent in 250836 control chromosomes (gnomAD). The available data on variant occurrences in the general population are insufficient to allow any conclusion about variant significance. c.4571T>G has been reported in the literature in the heterozygous state in an individual affected with Von Willebrand Disease, type 2A (Yadegari_2012). These data do not allow any conclusion about variant significance. To our knowledge, no experimental evidence demonstrating an impact on protein function has been reported. The following publication has been ascertained in the context of this evaluation (PMID: 22871923). ClinVar contains an entry for this variant (Variation ID: 1163930). Based on the evidence outlined above, the variant was classified as uncertain significance.

Literature cited by the submitters: PubMed 22871923 (cited by Mayo Clinic Laboratories, Mayo Clinic and Women's Health and Genetics/Laboratory Corporation of America, LabCorp).